The following is an entry in ClinVar:

NM_005515.4(MNX1):c.116_117del (p.Ser39fs)

Gene: MNX1 (motor neuron and pancreas homeobox 1; minus strand). Cytogenetic location: 7q36.3.
Variant type: Deletion.
Coding change: c.116_117del on transcript NM_005515.4 (MANE Select); coding-DNA positions 116 to 117, 2 bases deleted (CT; older notation c.116_117delCT).
Protein change: p.Ser39fs; shifts the reading frame from serine 39.
Molecular consequence: frameshift variant.
Genome position (GRCh38, 1-based): chr7:157,010,234-157,010,235, AG deleted on the plus strand (CT on the coding strand, the reverse complement: MNX1 is on the minus strand); deleting any 2 consecutive bases within chr7:157,010,234-157,010,236 gives the same sequence; the c. name uses the placement nearest the transcript's 3' end. VCF-style (leftmost placement, unchanged base first): chr7-157010233-CAG-C. GRCh37 (hg19) VCF-style: chr7-156802927-CAG-C.
Other names: c.116_117delCT (NM_005515.3); c.116_117del (NM_005515.3); short protein forms S39fs.
Identifiers: ClinVar variation 817990 (VCV000817990.2), dbSNP rs1586595293, ClinGen allele CA915945600.
Genomic context (GRCh38, chr7:157,010,233, plus strand): 5'-GGCTGCAGCTGCCGCTAGTCCCGCCGCTCGCCCCGCCGCCGCCGCCGCCACCTCCGGTGC[CAG>C]ATGCGGCGGCGGCGAGCGACGTGACCAAGGCCAGCGGCGCGCTCTGCGCAGAGGCGGCTC-3'

ClinVar aggregate classification (germline): Pathogenic (1 of 4 stars; one submission).

Submission:

GeneDx
Classification: Pathogenic. Last evaluated: 2023-10-22. Review status: criteria provided, single submitter. Criteria: GeneDx Variant Classification Process June 2021. Collection method: clinical testing. Allele origin: germline. Affected: yes.
Comment: Frameshift variant predicted to result in protein truncation or nonsense mediated decay in a gene for which loss of function is a known mechanism of disease; Not observed at significant frequency in large population cohorts (gnomAD); Has not been previously published as pathogenic or benign to our knowledge